The following is an entry in ClinVar:

ClinVar aggregate classification (germline): Likely benign (0 of 4 stars; one submission).

Conditions:
PPARG-related disorder. Also called: PPARG-related disorders; PPARG-related condition.

gnomAD v4.1: 1 of 1,591,254 alleles (0.000063%); highest among the groups gnomAD compares: Non-Finnish European, 0.000086%; no homozygotes.

Submission:

PreventionGenetics, part of Exact Sciences
Classification: Likely benign for PPARG-related condition. Last evaluated: 2024-01-09. Review status: no assertion criteria provided. Collection method: clinical testing. Allele origin: germline.
Comment: This variant is classified as likely benign based on ACMG/AMP sequence variant interpretation guidelines (Richards et al. 2015 PMID: 25741868, with internal and published modifications).

NM_138711.6(PPARG):c.-8-28119A>T

Gene: PPARG (peroxisome proliferator activated receptor gamma; plus strand). Cytogenetic location: 3p25.2.
Variant type: single nucleotide variant.
Coding change: c.-8-28119A>T on transcript NM_138711.6 (MANE Select); 28119 bases into the intron before 8 bases upstream of the start codon, A replaced by T.
Molecular consequence: intron variant. On other transcripts: 5 prime UTR variant (3).
Genome position (GRCh38, 1-based): chr3:12,351,585, A>T. VCF-style: chr3-12351585-A-T. GRCh37 (hg19) VCF-style: chr3-12393084-A-T.
Other names: c.-8A>T (NM_001354668.2, NM_001374265.1, NM_015869.5); c.-8-28119A>T (NM_001354666.3, NM_138712.5, NM_005037.7 and 5 more transcripts); c.-435-28119A>T (NM_001354669.2); c.-9+6691A>T (NM_001374262.3); c.-2-28119A>T (NM_001374266.1, NM_001354670.2).
Identifiers: ClinVar variation 3349626 (VCV003349626.1).